The following is an entry in ClinVar:

NM_014795.4(ZEB2):c.703G>A (p.Glu235Lys)

Gene: ZEB2 (zinc finger E-box binding homeobox 2; minus strand). Cytogenetic location: 2q22.3.
Variant type: single nucleotide variant.
Coding change: c.703G>A on transcript NM_014795.4 (MANE Select); coding-DNA position 703, G replaced by A.
Protein change: p.Glu235Lys; replaces glutamic acid 235 with lysine.
Molecular consequence: missense variant.
Genome position (GRCh38, 1-based): chr2:144,404,020, C>T on the plus strand (G>A on the coding strand, the complement: ZEB2 is on the minus strand). VCF-style: chr2-144404020-C-T. GRCh37 (hg19) VCF-style: chr2-145161587-C-T.
Other names: c.631G>A, p.Glu211Lys (NM_001171653.2); short protein forms E235K, E211K.
Identifiers: ClinVar variation 534634 (VCV000534634.8), dbSNP rs1553962069, ClinGen allele CA348714789.

ClinVar aggregate classification (germline): Uncertain significance. Review status: criteria provided, multiple submitters, no conflicts (2 of 4 stars). 2 submissions from 2 submitters: Uncertain significance (2). Last evaluated 2023-08-24.

Conditions:
Mowat-Wilson syndrome (MOWS). Also called: Classic Mowat-Wilson Syndrome. Identifiers: Orphanet 2152, MedGen C1856113, MONDO:0009341, OMIM 235730.

Submissions (2):

Labcorp Genetics (formerly Invitae), Labcorp
Classification: Uncertain significance for Mowat-Wilson syndrome. Last evaluated: 2023-08-24. Review status: criteria provided, single submitter. Criteria: Invitae Variant Classification Sherloc (09022015). Collection method: clinical testing. Allele origin: germline.
Comment: This sequence change replaces glutamic acid, which is acidic and polar, with lysine, which is basic and polar, at codon 235 of the ZEB2 protein (p.Glu235Lys). This variant is not present in population databases (gnomAD no frequency). This variant has not been reported in the literature in individuals affected with ZEB2-related conditions. ClinVar contains an entry for this variant (Variation ID: 534634). Advanced modeling performed at Invitae incorporating data from internal and/or published experimental studies (Invitae) indicates that this missense variant is not expected to disrupt ZEB2 function. In summary, the available evidence is currently insufficient to determine the role of this variant in disease. Therefore, it has been classified as a Variant of Uncertain Significance.

Neuberg Centre For Genomic Medicine, NCGM
Classification: Uncertain significance for Mowat-Wilson syndrome. Review status: criteria provided, single submitter. Criteria: ACMG Guidelines, 2015. Collection method: clinical testing. Allele origin: germline. Inheritance: Autosomal dominant inheritance. Affected: yes.
Comment: The observed missense c.703G>A (p.Glu235Lys) variant in ZEB2 gene has not been reported previously as a pathogenic variant nor as a benign variant, to our knowledge. The p.Glu235Lys variant is absent in gnomAD Exomes. This variant has been submitted to the ClinVar database as Uncertain Significance. Multiple lines of computational evidence (Polyphen - Probably Damaging, SIFT - Damaging and MutationTaster - Disease causing) predict a damaging effect on protein structure and function for this variant. The reference amino acid of p.Glu235Lys in ZEB2 is predicted as conserved by GERP++ and PhyloP across 100 vertebrates. The amino acid Glu at position 235 is changed to a Lys changing protein sequence and it might alter its composition and physico-chemical properties. For these reasons, this variant has been classified as a Variant of Uncertain Significance (VUS).